The following is an entry in ClinVar:

ClinVar aggregate classification (germline): Uncertain significance (1 of 4 stars; one submission).

Allele frequency attached by ClinVar (database versions not stated): gnomAD exomes below 0.00001.
gnomAD v4.1: 1 of 1,613,548 alleles (0.000062%); highest among the groups gnomAD compares: Non-Finnish European, 0.000085%; no homozygotes.

Submission:

GeneDx
Classification: Uncertain significance. Last evaluated: 2022-05-12. Review status: criteria provided, single submitter. Criteria: GeneDx Variant Classification Process June 2021. Collection method: clinical testing. Allele origin: germline. Affected: yes.
Comment: Not observed at significant frequency in large population cohorts (gnomAD); In silico analysis supports that this missense variant has a deleterious effect on protein structure/function; Has not been previously published as pathogenic or benign to our knowledge

NM_000719.7(CACNA1C):c.2024G>C (p.Gly675Ala)

Gene: CACNA1C (calcium voltage-gated channel subunit alpha1 C; plus strand). Cytogenetic location: 12p13.33.
Variant type: single nucleotide variant.
Coding change: c.2024G>C on transcript NM_000719.7 (MANE Select); coding-DNA position 2024, G replaced by C.
Protein change: p.Gly675Ala; replaces glycine 675 with alanine.
Molecular consequence: missense variant.
Genome position (GRCh38, 1-based): chr12:2,581,718, G>C. VCF-style: chr12-2581718-G-C. GRCh37 (hg19) VCF-style: chr12-2690884-G-C.
Other names: c.2024G>C, p.Gly675Ala (NM_001129827.2, NM_001129829.2, NM_001129830.3 and 18 more transcripts); c.2015G>C, p.Gly672Ala (NM_001129844.2); short protein forms G672A, G675A.
Identifiers: ClinVar variation 1723588 (VCV001723588.2), dbSNP rs2153223856, ClinGen allele CA383370357.
Genomic context (GRCh38, chr12:2,581,718, plus strand): 5'-TCCTTCTCCTCTTCCTCTTCATCATCATCTTCTCCCTCCTGGGGATGCAGCTCTTTGGAG[G>C]AAAGTTCAACTTTGATGAGATGCAGACCCGGAGGAGCACATTCGATAACTTCCCCCAGTC-3'
Protein context (NP_000710.5, residues 665-685): FSLLGMQLFG[Gly675Ala]KFNFDEMQTR